The following is an entry in ClinVar:

NM_006593.4(TBR1):c.1605G>A (p.Pro535=)

Genes: TBR1 (T-box brain transcription factor 1; plus strand), LOC129935026 (ATAC-STARR-seq lymphoblastoid silent region 12060; plus strand). Cytogenetic location: 2q24.2.
Variant type: single nucleotide variant.
Coding change: c.1605G>A on transcript NM_006593.4 (MANE Select); coding-DNA position 1605, G replaced by A.
Protein change: p.Pro535=; no amino-acid change (proline 535 retained).
Molecular consequence: synonymous variant.
Genome position (GRCh38, 1-based): chr2:161,423,783, G>A. VCF-style: chr2-161423783-G-A. GRCh37 (hg19) VCF-style: chr2-162280294-G-A.
Other names: c.1605G>A (NM_006593.3).
Identifiers: ClinVar variation 589337 (VCV000589337.35), dbSNP rs547996295, ClinGen allele CA1931001.

ClinVar aggregate classification (germline): Likely benign. Review status: criteria provided, multiple submitters, no conflicts (2 of 4 stars). 3 submissions from 3 submitters: Likely benign (2). 1 of the submissions does not count toward it. Last evaluated 2025-10-01.

Conditions:
TBR1-related disorder. Also called: TBR1-related condition.
Inborn genetic diseases. Identifiers: MedGen C0950123, MeSH D030342.

Allele frequency attached by ClinVar (database versions not stated): ExAC 0.00014; gnomAD 0.00042 and 0.00044; TOPMed 0.00055; 1000 Genomes Project 0.00060; 1000 Genomes Project 30x 0.00062.

Submissions (3):

CeGaT Center for Human Genetics Tuebingen
Classification: Likely benign. Last evaluated: 2025-10-01. Review status: criteria provided, single submitter. Criteria: CeGaT Center For Human Genetics Tuebingen Variant Classification Criteria Version 2. Collection method: clinical testing. Allele origin: germline. Affected: yes. Observed: 2 variant alleles.
Comment: TBR1: BP4, BP7

Ambry Genetics
Classification: Likely benign for Inborn genetic diseases. Last evaluated: 2016-07-21. Review status: criteria provided, single submitter. Criteria: Ambry Variant Classification Scheme 2023. Collection method: clinical testing. Allele origin: germline.

PreventionGenetics, part of Exact Sciences
Classification: Likely benign for TBR1-related condition. Last evaluated: 2019-07-01. Review status: no assertion criteria provided. Collection method: clinical testing. Allele origin: germline. Not counted in ClinVar's aggregate classification.
Comment: This variant is classified as likely benign based on ACMG/AMP sequence variant interpretation guidelines (Richards et al. 2015 PMID: 25741868, with internal and published modifications).